The following is an entry in ClinVar:

ClinVar aggregate classification (germline): Uncertain significance (1 of 4 stars; one submission).

Allele frequency attached by ClinVar (database versions not stated): gnomAD exomes below 0.00001.
gnomAD v4.1: 1 of 1,613,656 alleles (0.000062%); highest among the groups gnomAD compares: Non-Finnish European, 0.000085%; no homozygotes.

Submission:

Labcorp Genetics (formerly Invitae), Labcorp
Classification: Uncertain significance. Last evaluated: 2022-09-01. Review status: criteria provided, single submitter. Criteria: Invitae Variant Classification Sherloc (09022015). Collection method: clinical testing. Allele origin: germline.
Comment: This variant has not been reported in the literature in individuals affected with ITPR1-related conditions. This sequence change replaces lysine, which is basic and polar, with asparagine, which is neutral and polar, at codon 460 of the ITPR1 protein (p.Lys460Asn). This variant is not present in population databases (gnomAD no frequency). Algorithms developed to predict the effect of missense changes on protein structure and function are either unavailable or do not agree on the potential impact of this missense change (SIFT: "Deleterious"; PolyPhen-2: "Benign"; Align-GVGD: "Class C0"). In summary, the available evidence is currently insufficient to determine the role of this variant in disease. Therefore, it has been classified as a Variant of Uncertain Significance.

NM_001378452.1(ITPR1):c.1425G>T (p.Lys475Asn)

Gene: ITPR1 (inositol 1,4,5-trisphosphate receptor type 1; plus strand). Cytogenetic location: 3p26.1.
Variant type: single nucleotide variant.
Coding change: c.1425G>T on transcript NM_001378452.1 (MANE Select); coding-DNA position 1425, G replaced by T.
Protein change: p.Lys475Asn; replaces lysine 475 with asparagine.
Molecular consequence: missense variant.
Genome position (GRCh38, 1-based): chr3:4,663,077, G>T. VCF-style: chr3-4663077-G-T. GRCh37 (hg19) VCF-style: chr3-4704761-G-T.
Other names: c.1425G>T, p.Lys475Asn (NM_001099952.4); c.1380G>T, p.Lys460Asn (NM_001168272.2, NM_002222.7); short protein forms K460N, K475N.
Identifiers: ClinVar variation 2087565 (VCV002087565.4), dbSNP rs2470705868, ClinGen allele CA351641269.